The following is an entry in ClinVar:

ClinVar aggregate classification (germline): Pathogenic (1 of 4 stars; one submission).

Conditions:
Microcephaly, normal intelligence and immunodeficiency (NBS). Also called: BERLIN BREAKAGE SYNDROME; IMMUNODEFICIENCY, MICROCEPHALY, AND CHROMOSOMAL INSTABILITY; SEEMANOVA SYNDROME II; Immunodeficiency, microcephaly with normal intelligence; Nijmegen breakage syndrome; Microcephaly with normal intelligence immunodeficiency and lymphoreticular malignancies. Identifiers: Orphanet 647, MedGen C0398791, MONDO:0009623, OMIM 251260.

Submission:

Labcorp Genetics (formerly Invitae), Labcorp
Classification: Pathogenic for Microcephaly, normal intelligence and immunodeficiency. Last evaluated: 2021-10-09. Review status: criteria provided, single submitter. Criteria: Invitae Variant Classification Sherloc (09022015). Collection method: clinical testing. Allele origin: germline.
Comment: This sequence change creates a premature translational stop signal (p.Pro112Leufs*9) in the NBN gene. It is expected to result in an absent or disrupted protein product. Loss-of-function variants in NBN are known to be pathogenic (PMID: 9590180, 16415040). For these reasons, this variant has been classified as Pathogenic. This variant has not been reported in the literature in individuals with NBN-related conditions. This variant is not present in population databases (ExAC no frequency).

Literature cited by the submitters: PubMed 9590180; PubMed 16415040.

NM_002485.5(NBN):c.335del (p.Pro112fs)

Gene: NBN (nibrin; minus strand). Cytogenetic location: 8q21.3.
Variant type: Deletion.
Coding change: c.335del on transcript NM_002485.5 (MANE Select); coding-DNA position 335, one base deleted (C; older notation c.335delC).
Protein change: p.Pro112fs; shifts the reading frame from proline 112.
Molecular consequence: frameshift variant.
Genome position (GRCh38, 1-based): chr8:89,980,879, G deleted on the plus strand (C on the coding strand, the reverse complement: NBN is on the minus strand); the first of 2 consecutive G bases (chr8:89,980,879-89,980,880); deleting either gives the same sequence. VCF-style (leftmost placement, unchanged base first): chr8-89980878-AG-A. GRCh37 (hg19) VCF-style: chr8-90993106-AG-A.
Other names: c.89del, p.Pro30fs (NM_001024688.3); short protein forms P112fs, P30fs.
Identifiers: ClinVar variation 1451636 (VCV001451636.6), dbSNP rs2129910740, ClinGen allele CA2573143452.
Genomic context (GRCh38, chr8:89,980,878, plus strand): 5'-TATAGCTTGATTTAAAGCAGTTTTCCCAGAGACATCTAAACAAGAAGAGCATGCAACCAA[AG>A]GCTCATACTCTATTCTGTAAATGAGAATAAGTTAAATAAAGTCATAGTATCAGAGTTGCA-3'